The following is an entry in ClinVar:

ClinVar aggregate classification (germline): Likely benign. Review status: criteria provided, multiple submitters, no conflicts (2 of 4 stars). 5 submissions from 5 submitters: Likely benign (4). 1 of the submissions does not count toward it. Last evaluated 2025-12-14.

Conditions:
SCO1-related disorder. Also called: SCO1-related condition; SCO1-related disorders.
Mitochondrial complex IV deficiency, nuclear type 4. Also called: Mitochondrial complex 4 deficiency, nuclear type 4. Identifiers: MedGen C5436683, MONDO:0033636, OMIM 619048.

Allele frequency attached by ClinVar (database versions not stated): ExAC 0.00001; gnomAD exomes 0.00001 and 0.00003; gnomAD 0.00002; TOPMed 0.00002.
gnomAD v4.1: 21 of 1,612,692 alleles (0.0013%); highest among the groups gnomAD compares: Admixed American, 0.005%; no homozygotes.

Submissions (5):

Labcorp Genetics (formerly Invitae), Labcorp
Classification: Likely benign. Last evaluated: 2025-12-14. Review status: criteria provided, single submitter. Criteria: Invitae Variant Classification Sherloc (09022015). Collection method: clinical testing. Allele origin: germline.

Blueprint Genetics
Classification: Likely benign. Last evaluated: 2024-03-08. Review status: criteria provided, single submitter. Criteria: ACMG Guidelines, 2015. Collection method: clinical testing. Allele origin: germline.

Fulgent Genetics
Classification: Likely benign for Mitochondrial complex IV deficiency, nuclear type 4. Last evaluated: 2022-03-25. Review status: criteria provided, single submitter. Criteria: ACMG Guidelines, 2015. Collection method: clinical testing. Allele origin: unknown.

GeneDx
Classification: Likely benign. Last evaluated: 2019-12-30. Review status: criteria provided, single submitter. Criteria: GeneDx Variant Classification Process June 2021. Collection method: clinical testing. Allele origin: germline. Affected: yes.

PreventionGenetics, part of Exact Sciences
Classification: Likely benign for SCO1-related condition. Last evaluated: 2019-12-19. Review status: no assertion criteria provided. Collection method: clinical testing. Allele origin: germline. Not counted in ClinVar's aggregate classification.
Comment: This variant is classified as likely benign based on ACMG/AMP sequence variant interpretation guidelines (Richards et al. 2015 PMID: 25741868, with internal and published modifications).

NM_004589.4(SCO1):c.744C>T (p.Gly248=)

Gene: SCO1 (synthesis of cytochrome C oxidase 1; minus strand). Cytogenetic location: 17p13.1.
Variant type: single nucleotide variant.
Coding change: c.744C>T on transcript NM_004589.4 (MANE Select); coding-DNA position 744, C replaced by T.
Protein change: p.Gly248=; no amino-acid change (glycine 248 retained).
Molecular consequence: synonymous variant.
Genome position (GRCh38, 1-based): chr17:10,686,754, G>A on the plus strand (C>T on the coding strand, the complement: SCO1 is on the minus strand). VCF-style: chr17-10686754-G-A. GRCh37 (hg19) VCF-style: chr17-10590071-G-A.
Identifiers: ClinVar variation 741449 (VCV000741449.10), dbSNP rs768270136, ClinGen allele CA8393490.